The following is an entry in ClinVar:

ClinVar aggregate classification (germline): Conflicting classifications of pathogenicity. Review status: criteria provided, conflicting classifications (1 of 4 stars). 4 submissions from 4 submitters: Uncertain significance (3); Likely benign (1). Last evaluated 2024-04-12.

Conditions:
Hereditary breast ovarian cancer syndrome. Also called: Hereditary breast and ovarian cancer syndrome; Hereditary breast and ovarian cancer syndrome (HBOC); BRCA1- and BRCA2-Associated Hereditary Breast and Ovarian Cancer; Breast and ovarian cancer; Hereditary breast and ovarian cancer; Hereditary breast and/or ovarian cancer syndrome. Identifiers: Orphanet 145, MedGen C0677776, MeSH D061325, MONDO:0003582. Disease mechanism: loss of function.
Breast-ovarian cancer, familial, susceptibility to, 1 (BROVCA1). Also called: OVARIAN CANCER, SUSCEPTIBILITY TO; BRCA1 Hereditary Breast and Ovarian Cancer. Identifiers: Orphanet 145, MedGen C2676676, MONDO:0011450, OMIM 604370. Disease mechanism: loss of function.
Hereditary cancer-predisposing syndrome. Also called: Hereditary Cancer Syndrome; Hereditary neoplastic syndrome; Tumor predisposition; Neoplastic Syndromes, Hereditary. Identifiers: Orphanet 140162, MedGen C0027672, MeSH D009386, MONDO:0015356.

gnomAD v4.1: 1 of 1,613,968 alleles (0.000062%); highest among the groups gnomAD compares: African/African-American, 0.0013%; no homozygotes.

Submissions (5):

Lupski Lab, Baylor-Hopkins CMG, Baylor College of Medicine
Classification: Likely benign for Breast-ovarian cancer, familial, susceptibility to, 1. Last evaluated: 2024-04-12. Review status: criteria provided, single submitter. Criteria: Dawood et al. (medRxiv. 2024). Collection method: curation. Allele origin: germline.
Comment: Each variant was annotated with functional scores from MAVE data which was translated into functional evidence codes. All other evidence codes and combining criteria were adhered to as closely as possible based on the ClinGen VCEP (Variant Curation Expert Panel) gene-specific recommendations. See Supplemental Figure 34 of final paper (Supp Fig. 28 in preprint: doi:10.1101/2024.04.11.24305690) for a table to see which lines of evidence we did not have data for. The ClinGen VCEPs are highly regarded as the gold-standard for gene-specific variant curation and are developed after extensive evaluation of the evidence by clinical and scientific experts for the particular gene to classify genomic variants on a spectrum from pathogenic to benign using the 2015 ACMG/AMP Variant Interpretation Guidelines as a backbone (PMID: 25741868). Reclassification of these VUS variants from gnomAD or All of Us focused only on variants originally prescribed as VUS in ClinVar. To ensure reproducibility, transparency, and increased throughput, all the procedures for annotating variants and assigning evidence codes were codified using Python. All code has been made freely available and is linked in the Code Availability section and all reclassified variants with evidence codes used can be found in Tables S18-19 (preprint: doi:10.1101/2024.04.11.24305690). For the MAVE data, the clinical curation and clinical strength assignment as per the ClinGen recommendations in Brnich et al. (2020) (PMID: 31892348) for or against pathogenicity or benignity of each of these MAVE datasets utilized in this study were previously published in Fayer et al. (2021) (PMID: 34793697).In brief, for BRCA1 variants, if a variant was categorized as FUNC (functional), it was assigned BS3 evidence and no PS3 evidence, whereas if it was categorized as LOF (loss of function), the variant was assigned PS3 evidence and no BS3 evidence. Variants categorized as INT (intermediate) were left unannotated. For the BRCA1 combining criteria, greater than or equal to 1 criteria of strong benign evidence was enough to reclassify the VUS as Likely Benign. This variant GRCh38:17:43045758:C>A was assigned evidence codes ['BS3', 'BP4'] and an overall classification of Likely benign

Labcorp Genetics (formerly Invitae), Labcorp
Classification: Uncertain significance for Hereditary breast ovarian cancer syndrome. Last evaluated: 2024-03-12. Review status: criteria provided, single submitter. Criteria: Invitae Variant Classification Sherloc (09022015). Collection method: clinical testing. Allele origin: germline.
Comment: This sequence change replaces valine, which is neutral and non-polar, with leucine, which is neutral and non-polar, at codon 1838 of the BRCA1 protein (p.Val1838Leu). This variant is not present in population databases (gnomAD no frequency). This variant has not been reported in the literature in individuals affected with BRCA1-related conditions. ClinVar contains an entry for this variant (Variation ID: 184981). Advanced modeling performed at Invitae incorporating data from internal and/or published experimental studies (PMID: 30209399) indicates that this missense variant is not expected to disrupt BRCA1 function with a negative predictive value of 95%. This variant disrupts the p.Val1838 amino acid residue in BRCA1. Other variant(s) that disrupt this residue have been determined to be pathogenic (PMID: 18375895, 20516115, 21990134, 27272900). This suggests that this residue is clinically significant, and that variants that disrupt this residue are likely to be disease-causing. In summary, the available evidence is currently insufficient to determine the role of this variant in disease. Therefore, it has been classified as a Variant of Uncertain Significance.

Color Diagnostics, LLC DBA Color Health
Classification: Uncertain significance for Hereditary cancer-predisposing syndrome. Last evaluated: 2019-03-14. Review status: criteria provided, single submitter. Criteria: ACMG Guidelines, 2015. Collection method: clinical testing. Allele origin: germline.

Ambry Genetics
Classification: Uncertain significance for Hereditary cancer-predisposing syndrome. Last evaluated: 2014-06-02. Review status: criteria provided, single submitter. Criteria: Ambry Variant Classification Scheme 2023. Collection method: clinical testing. Allele origin: germline.
Comment: The p.V1838L variant (also known as c.5512G>T or 5631G>T), located in coding exon 22 of the BRCA1 gene, results from a G to T substitution at nucleotide position 5512. The valine at codon 1838 is replaced by leucine, an amino acid with highly similar properties. This variant was not reported in population based cohorts in the following databases: Database of Single Nucleotide Polymorphisms (dbSNP), NHLBI Exome Sequencing Project (ESP), and 1000 Genomes Project. To date, this alteration has been detected with an allele frequency of approximately 0.002% (greater than 42000 alleles tested) in our clinical cohort (includes this individual). Based on protein sequence alignment, this amino acid position is highly conserved in available vertebrate species. In addition, this alteration is predicted to be possibly damaging and deleterious by PolyPhen and SIFT in silico analyses, respectively. Since supporting evidence is limited at this time, the clinical significance of p.V1838L remains unclear.

Brotman Baty Institute, University of Washington
No classification provided (evidence only). Condition: Breast-ovarian cancer, familial 1. Review status: no classification provided. Collection method: in vitro. Allele origin: not applicable. Functional consequence: functionally_normal. Not counted in ClinVar's aggregate classification.
ClinVar note: "not provided" was previously submitted as the classification for the variant. However, the classification appeared to be based only on an observation of functional data so it was converted to no classification on 2025-07-30.

Literature cited by the submitters: PubMed 39142283 (cited by Lupski Lab, Baylor-Hopkins CMG, Baylor College of Medicine); PubMed 34793697 (cited by Lupski Lab, Baylor-Hopkins CMG, Baylor College of Medicine); DOI 10.1101/2024.04.11.24305690 (cited by Lupski Lab, Baylor-Hopkins CMG, Baylor College of Medicine); PubMed 30209399 (cited by Labcorp Genetics (formerly Invitae), Labcorp); PubMed 18375895 (cited by Labcorp Genetics (formerly Invitae), Labcorp); PubMed 20516115 (cited by Labcorp Genetics (formerly Invitae), Labcorp); PubMed 21990134 (cited by Labcorp Genetics (formerly Invitae), Labcorp); PubMed 27272900 (cited by Labcorp Genetics (formerly Invitae), Labcorp).

NM_007294.4(BRCA1):c.5512G>T (p.Val1838Leu)

Gene: BRCA1 (BRCA1 DNA repair associated; minus strand). Cytogenetic location: 17q21.31.
Variant type: single nucleotide variant.
Coding change: c.5512G>T on transcript NM_007294.4 (MANE Select); coding-DNA position 5512, G replaced by T.
Protein change: p.Val1838Leu; replaces valine 1838 with leucine.
Molecular consequence: missense variant. On other transcripts: 3 prime UTR variant (1), non-coding transcript variant (1).
Genome position (GRCh38, 1-based): chr17:43,045,758, C>A on the plus strand (G>T on the coding strand, the complement: BRCA1 is on the minus strand). VCF-style: chr17-43045758-C-A. GRCh37 (hg19) VCF-style: chr17-41197775-C-A.
Other names: c.5299G>T, p.Val1767Leu (NM_001407571.1, NM_001407906.1, NM_001407907.1 and 12 more transcripts); c.5578G>T, p.Val1860Leu (NM_001407581.1, NM_001407582.1); c.5575G>T, p.Val1859Leu (NM_001407583.1, NM_001407585.1, NM_001407587.1 and 1 more transcripts); c.5572G>T, p.Val1858Leu (NM_001407590.1, NM_001407591.1); c.5512G>T, p.Val1838Leu (NM_001407593.1, NM_001407594.1, NM_001407596.1 and 5 more transcripts); c.5509G>T, p.Val1837Leu (NM_001407610.1, NM_001407611.1, NM_001407612.1 and 14 more transcripts); c.5506G>T, p.Val1836Leu (NM_001407631.1, NM_001407632.1, NM_001407633.1 and 13 more transcripts); c.5434G>T, p.Val1812Leu (NM_001407653.1, NM_001407654.1, NM_001407655.1 and 1 more transcripts); and 74 more; short protein forms V1838L, V1791L, V734L, V1859L, V1542L, V1725L, V1750L, V1771L.
Identifiers: ClinVar variation 184981 (VCV000184981.20), dbSNP rs730881501, ClinGen allele CA003689.